The following is an entry in ClinVar:

NM_001122752.2(SERPINI1):c.50_51inv (p.Thr17Met)

Gene: SERPINI1 (serpin family I member 1; plus strand). Cytogenetic location: 3q26.1.
Variant type: Inversion.
Coding change: c.50_51inv on transcript NM_001122752.2 (MANE Select).
Protein change: p.Thr17Met; replaces threonine 17 with methionine.
Molecular consequence: missense variant.
Genome position: GRCh38 VCF-style: chr3-167789178-CA-TG. GRCh37 (hg19) VCF-style: chr3-167506966-CA-TG.
Other names: c.50_51inv, p.Thr17Met (NM_005025.5); short protein forms T17M.
Identifiers: ClinVar variation 3639635 (VCV003639635.2).

ClinVar aggregate classification (germline): Uncertain significance (1 of 4 stars; one submission).

Conditions:
Familial encephalopathy with neuroserpin inclusion bodies. Also called: ENCEPHALOPATHY, FAMILIAL, WITH COLLINS BODIES. Identifiers: Orphanet 85110, MedGen C1858680, MONDO:0011412, OMIM 604218.

Submission:

Labcorp Genetics (formerly Invitae), Labcorp
Classification: Uncertain significance for Familial encephalopathy with neuroserpin inclusion bodies. Last evaluated: 2024-09-30. Review status: criteria provided, single submitter. Criteria: Invitae Variant Classification Sherloc (09022015). Collection method: clinical testing. Allele origin: germline.
Comment: This sequence change replaces threonine, which is neutral and polar, with methionine, which is neutral and non-polar, at codon 17 of the SERPINI1 protein (p.Thr17Met). Information on the frequency of this variant in the gnomAD database is not available, as this variant may be reported differently in the database. This variant has not been reported in the literature in individuals affected with SERPINI1-related conditions. An algorithm developed to predict the effect of missense changes on protein structure and function (PolyPhen-2) suggests that this variant is likely to be tolerated. In summary, the available evidence is currently insufficient to determine the role of this variant in disease. Therefore, it has been classified as a Variant of Uncertain Significance.